The following is an entry in ClinVar:

ClinVar aggregate classification (germline): Uncertain significance (1 of 4 stars; one submission).

Allele frequency attached by ClinVar (database versions not stated): gnomAD exomes 0.00001.

Submission:

GeneDx
Classification: Uncertain significance. Last evaluated: 2017-08-22. Review status: criteria provided, single submitter. Criteria: GeneDx Variant Classification (06012015). Collection method: clinical testing. Allele origin: germline. Affected: yes.
Comment: A variant of uncertain significance has been identified in the SLC6A8 gene. The F526L variant has not been published as a pathogenic variant, nor has it been reported as a benign variant to our knowledge. The F526L variant is not observed in large population cohorts (Lek et al., 2016; 1000 Genomes Consortium et al., 2015; Exome Variant Server). This substitution occurs at a position that is conserved in mammals. However, the F526L variant is a conservative amino acid substitution, which is not likely to impact secondary protein structure as these residues share similar properties. In silico analysis is inconsistent in its predictions as to whether or not the variant is damaging to the protein structure/function. Therefore, based on the currently available information, it is unclear whether this variant is a pathogenic variant or a rare benign variant.

NM_005629.4(SLC6A8):c.1578C>A (p.Phe526Leu)

Gene: SLC6A8 (solute carrier family 6 member 8; plus strand). Cytogenetic location: Xq28.
Variant type: single nucleotide variant.
Coding change: c.1578C>A on transcript NM_005629.4 (MANE Select); coding-DNA position 1578, C replaced by A.
Protein change: p.Phe526Leu; replaces phenylalanine 526 with leucine.
Molecular consequence: missense variant.
Genome position (GRCh38, 1-based): chrX:153,694,615, C>A. VCF-style: chrX-153694615-C-A. GRCh37 (hg19) VCF-style: chrX-152960070-C-A.
Other names: c.1548C>A, p.Phe516Leu (NM_001142805.2); c.1233C>A, p.Phe411Leu (NM_001142806.1); short protein forms F526L, F411L, F516L.
Identifiers: ClinVar variation 451598 (VCV000451598.1), dbSNP rs1557045574, ClinGen allele CA415088620.
Genomic context (GRCh38, chrX:153,694,615, plus strand): 5'-CATTGCCTGTATGATCGGGTACCGACCTTGCCCCTGGATGAAATGGTGCTGGTCCTTCTT[C>A]ACCCCGCTGGTCTGCATGGTAAGGGCTGGGGGAGGTGGGGCAGGGCGGGGGGCGAGGCAG-3'
Protein context (NP_005620.1, residues 516-536): CPWMKWCWSF[Phe526Leu]TPLVCMGIFI